The following is an entry in ClinVar:

ClinVar aggregate classification (germline): Likely pathogenic (1 of 4 stars; one submission).

Conditions:
Citrullinemia. Identifiers: Orphanet 187, MedGen C0175683, MONDO:0015991.

Submission:

Labcorp Genetics (formerly Invitae), Labcorp
Classification: Likely pathogenic for Citrullinemia. Last evaluated: 2022-01-10. Review status: criteria provided, single submitter. Criteria: Invitae Variant Classification Sherloc (09022015). Collection method: clinical testing. Allele origin: germline.
Comment: In summary, the currently available evidence indicates that the variant is pathogenic, but additional data are needed to prove that conclusively. Therefore, this variant has been classified as Likely Pathogenic. Algorithms developed to predict the effect of sequence changes on RNA splicing suggest that this variant may disrupt the consensus splice site. This variant has not been reported in the literature in individuals affected with ASS1-related conditions. This variant is not present in population databases (gnomAD no frequency). This variant results in the deletion of part of exon 3 (c.95_105+4del) of the ASS1 gene. It is expected to disrupt RNA splicing. Variants that disrupt the donor or acceptor splice site typically lead to a loss of protein function (PMID: 16199547), and loss-of-function variants in ASS1 are known to be pathogenic (PMID: 18473344, 19006241).

Literature cited by the submitters: PubMed 16199547; PubMed 18473344; PubMed 19006241.

NM_054012.4(ASS1):c.95_105+4del

Gene: ASS1 (argininosuccinate synthase 1; plus strand). Cytogenetic location: 9q34.11.
Variant type: Deletion.
Coding change: c.95_105+4del on transcript NM_054012.4 (MANE Select); coding-DNA position 95 through 4 bases into the intron after coding-DNA position 105, 15 bases deleted (TTGCCTATCTGGTGA).
Molecular consequence: splice donor variant.
Genome position (GRCh38, 1-based): chr9:130,452,323-130,452,337, TTGCCTATCTGGTGA deleted; deleting any 15 consecutive bases within chr9:130,452,322-130,452,337 gives the same sequence; the c. name uses the placement nearest the transcript's 3' end. VCF-style (leftmost placement, unchanged base first): chr9-130452321-CATTGCCTATCTGGTG-C. GRCh37 (hg19) VCF-style: chr9-133327708-CATTGCCTATCTGGTG-C.
Other names: c.95_105+4del (NM_000050.4).
Identifiers: ClinVar variation 2034356 (VCV002034356.4), dbSNP rs2490515378, ClinGen allele CA2580079791.